The following is an entry in ClinVar:

ClinVar aggregate classification (germline): Uncertain significance (1 of 4 stars; one submission).

Conditions:
Idiopathic generalized epilepsy. Also called: EIG; Generalised epilepsy. Identifiers: MedGen C0270850, MONDO:0005579, OMIM 600669.
Hyperaldosteronism, familial, type IV (HALD4). Also called: FH IV; ALDOSTERONISM, PRIMARY, AND HYPERTENSION. Identifiers: Orphanet 642671, MedGen C4310756, MONDO:0014875, OMIM 617027.

Allele frequency attached by ClinVar (database versions not stated): gnomAD exomes 0.00001.
gnomAD v4.1: 19 of 1,611,674 alleles (0.0012%); highest among the groups gnomAD compares: Non-Finnish European, 0.0016%; no homozygotes.

Submission:

Labcorp Genetics (formerly Invitae), Labcorp
Classification: Uncertain significance for Idiopathic generalized epilepsy; Hyperaldosteronism, familial, type IV. Last evaluated: 2022-07-05. Review status: criteria provided, single submitter. Criteria: Invitae Variant Classification Sherloc (09022015). Collection method: clinical testing. Allele origin: germline.
Comment: In summary, the available evidence is currently insufficient to determine the role of this variant in disease. Therefore, it has been classified as a Variant of Uncertain Significance. Algorithms developed to predict the effect of missense changes on protein structure and function (SIFT, PolyPhen-2, Align-GVGD) all suggest that this variant is likely to be tolerated. ClinVar contains an entry for this variant (Variation ID: 1039334). This variant has not been reported in the literature in individuals affected with CACNA1H-related conditions. This variant is present in population databases (no rsID available, gnomAD 0.002%). This sequence change replaces threonine, which is neutral and polar, with alanine, which is neutral and non-polar, at codon 1323 of the CACNA1H protein (p.Thr1323Ala).

NM_021098.3(CACNA1H):c.3967A>G (p.Thr1323Ala)

Gene: CACNA1H (calcium voltage-gated channel subunit alpha1 H; plus strand). Cytogenetic location: 16p13.3.
Variant type: single nucleotide variant.
Coding change: c.3967A>G on transcript NM_021098.3 (MANE Select); coding-DNA position 3967, A replaced by G.
Protein change: p.Thr1323Ala; replaces threonine 1323 with alanine.
Molecular consequence: missense variant.
Genome position (GRCh38, 1-based): chr16:1,210,491, A>G. VCF-style: chr16-1210491-A-G. GRCh37 (hg19) VCF-style: chr16-1260491-A-G.
Other names: c.3967A>G, p.Thr1323Ala (NM_001005407.2); short protein forms T1323A.
Identifiers: ClinVar variation 1039334 (VCV001039334.8), dbSNP rs1373335448, ClinGen allele CA394176868.